The following is an entry in ClinVar:

ClinVar aggregate classification (germline): Uncertain significance (1 of 4 stars; one submission).

Conditions:
Cone-rod dystrophy 6 (CORD6). Also called: Cone dystrophy progressive; RETINAL CONE DYSTROPHY 2. Identifiers: Orphanet 1872, MedGen C1866293, MONDO:0011143, OMIM 601777.
Leber congenital amaurosis 1 (LCA1). Also called: Congenital absence of the rods and cones; Leber's congenital tapetoretinal degeneration; Leber's congenital tapetoretinal dysplasia; AMAUROSIS CONGENITA OF LEBER I; RETINAL BLINDNESS, CONGENITAL. Identifiers: Orphanet 65, MedGen C2931258, MONDO:0008764, OMIM 204000.

Allele frequency attached by ClinVar (database versions not stated): ExAC 0.00001; gnomAD 0.00001; TOPMed 0.00001.
gnomAD v4.1: 10 of 1,612,768 alleles (0.00062%); highest among the groups gnomAD compares: East Asian, 0.0067%; no homozygotes.

Submission:

Labcorp Genetics (formerly Invitae), Labcorp
Classification: Uncertain significance for Leber congenital amaurosis 1; Cone-rod dystrophy 6. Last evaluated: 2025-03-25. Review status: criteria provided, single submitter. Criteria: Invitae Variant Classification Sherloc (09022015). Collection method: clinical testing. Allele origin: germline.
Comment: This sequence change replaces valine, which is neutral and non-polar, with methionine, which is neutral and non-polar, at codon 960 of the GUCY2D protein (p.Val960Met). This variant is present in population databases (rs781010216, gnomAD 0.006%). This variant has not been reported in the literature in individuals affected with GUCY2D-related conditions. ClinVar contains an entry for this variant (Variation ID: 1393002). Invitae Evidence Modeling of protein sequence and biophysical properties (such as structural, functional, and spatial information, amino acid conservation, physicochemical variation, residue mobility, and thermodynamic stability) indicates that this missense variant is not expected to disrupt GUCY2D protein function with a negative predictive value of 80%. In summary, the available evidence is currently insufficient to determine the role of this variant in disease. Therefore, it has been classified as a Variant of Uncertain Significance.

NM_000180.4(GUCY2D):c.2878G>A (p.Val960Met)

Gene: GUCY2D (guanylate cyclase 2D, retinal; plus strand). Cytogenetic location: 17p13.1.
Variant type: single nucleotide variant.
Coding change: c.2878G>A on transcript NM_000180.4 (MANE Select); coding-DNA position 2878, G replaced by A.
Protein change: p.Val960Met; replaces valine 960 with methionine.
Molecular consequence: missense variant.
Genome position (GRCh38, 1-based): chr17:8,015,436, G>A. VCF-style: chr17-8015436-G-A. GRCh37 (hg19) VCF-style: chr17-7918754-G-A.
Other names: short protein forms V960M.
Identifiers: ClinVar variation 1393002 (VCV001393002.6), dbSNP rs781010216, ClinGen allele CA8366246.